The following is an entry in ClinVar:

ClinVar aggregate classification (germline): Benign. Review status: reviewed by expert panel (3 of 4 stars). 2 submissions from 2 submitters: Benign (1). 1 of the submissions does not count toward it. Last evaluated 2015-01-12.

Conditions:
Breast-ovarian cancer, familial, susceptibility to, 2 (BROVCA2). Also called: BRCA2 Hereditary Breast and Ovarian Cancer. Identifiers: Orphanet 145, MedGen C2675520, MONDO:0012933, OMIM 612555. Disease mechanism: loss of function.

Allele frequency attached by ClinVar (database versions not stated): gnomAD 0.00389 and 0.00408; TOPMed 0.00417; 1000 Genomes Project 0.00679; 1000 Genomes Project 30x 0.00718.
gnomAD v4.1: 585 of 152,242 alleles (0.38%); highest among the groups gnomAD compares: African/African-American, 1.3%; 5 homozygotes.

Submissions (2):

Evidence-based Network for the Interpretation of Germline Mutant Alleles (ENIGMA)
Classification: Benign for Breast-ovarian cancer, familial 2. Last evaluated: 2015-01-12. Review status: reviewed by expert panel. Criteria: ENIGMA BRCA1/2 Classification Criteria (2015). Collection method: curation. Allele origin: germline.
Comment: Class 1 not pathogenic based on frequency >1% in an outbred sampleset. Frequency 0.02642 (African), derived from 1000 genomes (2012-04-30).

GeneDx
Classification: Likely benign. Last evaluated: 2018-06-25. Review status: criteria provided, single submitter. Criteria: GeneDx Variant Classification Process June 2021. Collection method: clinical testing. Allele origin: germline. Affected: yes. Not counted in ClinVar's aggregate classification.

NM_000059.4(BRCA2):c.681+195T>G

Gene: BRCA2 (BRCA2 DNA repair associated; plus strand). Cytogenetic location: 13q13.1.
Variant type: single nucleotide variant.
Coding change: c.681+195T>G on transcript NM_000059.4 (MANE Select); 195 bases into the intron after coding-DNA position 681, T replaced by G.
Molecular consequence: intron variant.
Genome position (GRCh38, 1-based): chr13:32,329,687, T>G. VCF-style: chr13-32329687-T-G. GRCh37 (hg19) VCF-style: chr13-32903824-T-G.
Other names: IVS 8+195T>G.
Identifiers: ClinVar variation 209663 (VCV000209663.3), dbSNP rs11571625, ClinGen allele CA276632.